The following is an entry in ClinVar:

ClinVar aggregate classification (germline): Uncertain significance (1 of 4 stars; one submission).

Conditions:
Joubert syndrome. Also called: JOUBERT-BOLTSHAUSER SYNDROME; Familial aplasia of the vermis. Identifiers: Orphanet 475, MedGen C5979921, MONDO:0018772.
Meckel-Gruber syndrome. Also called: DYSENCEPHALIA SPLANCHNOCYSTICA; GRUBER SYNDROME; Dysencephalia splachnocystica. Identifiers: Orphanet 564, MedGen C0265215, MONDO:0018921.

Allele frequency attached by ClinVar (database versions not stated): gnomAD exomes below 0.00001.
gnomAD v4.1: 1 of 1,613,584 alleles (0.000062%); highest among the groups gnomAD compares: Non-Finnish European, 0.000085%; no homozygotes.

Submission:

Labcorp Genetics (formerly Invitae), Labcorp
Classification: Uncertain significance for Joubert syndrome; Meckel-Gruber syndrome. Last evaluated: 2022-05-04. Review status: criteria provided, single submitter. Criteria: Invitae Variant Classification Sherloc (09022015). Collection method: clinical testing. Allele origin: germline.
Comment: In summary, the available evidence is currently insufficient to determine the role of this variant in disease. Therefore, it has been classified as a Variant of Uncertain Significance. Algorithms developed to predict the effect of missense changes on protein structure and function are either unavailable or do not agree on the potential impact of this missense change (SIFT: "Deleterious"; PolyPhen-2: "Benign"; Align-GVGD: "Class C0"). This variant has not been reported in the literature in individuals affected with CC2D2A-related conditions. This variant is not present in population databases (gnomAD no frequency). This sequence change replaces alanine, which is neutral and non-polar, with valine, which is neutral and non-polar, at codon 1079 of the CC2D2A protein (p.Ala1079Val).

NM_001378615.1(CC2D2A):c.3236C>T (p.Ala1079Val)

Genes: CC2D2A (coiled-coil and C2 domain containing 2A; plus strand), FBXL5 (F-box and leucine rich repeat protein 5; minus strand). Cytogenetic location: 4p15.32.
Variant type: single nucleotide variant.
Coding change: c.3236C>T on transcript NM_001378615.1 (MANE Select); coding-DNA position 3236, C replaced by T.
Protein change: p.Ala1079Val; replaces alanine 1079 with valine.
Molecular consequence: missense variant.
Genome position (GRCh38, 1-based): chr4:15,567,430, C>T. VCF-style: chr4-15567430-C-T. GRCh37 (hg19) VCF-style: chr4-15569053-C-T.
Other names: c.3236C>T, p.Ala1079Val (NM_001080522.2); c.3089C>T, p.Ala1030Val (NM_001378617.1); short protein forms A1079V, A1030V.
Identifiers: ClinVar variation 2133736 (VCV002133736.4), dbSNP rs2475073495, ClinGen allele CA356417692.
Genomic context (GRCh38, chr4:15,567,430, plus strand): 5'-CTCCTAGCAAATTCCAGCAGCCGTCGAGGTCTTCAAGGATGTTCAGTGAAAAGCATGCTG[C>T]TTCCCCAAGCACGTACAGCCCAACCCACAATGCTGACTACCCCCTCGGCCAGGTGAGAGA-3'
Protein context (NP_001365544.1, residues 1069-1089): SSRMFSEKHA[Ala1079Val]SPSTYSPTHN